The following is an entry in ClinVar:

NM_000287.4(PEX6):c.1152_1154del (p.Val385del)

Gene: PEX6 (peroxisomal biogenesis factor 6; minus strand). Cytogenetic location: 6p21.1.
Variant type: Deletion.
Coding change: c.1152_1154del on transcript NM_000287.4 (MANE Select); coding-DNA positions 1152 to 1154, 3 bases deleted (AGT; older notation c.1152_1154delAGT).
Protein change: p.Val385del; deletes valine 385.
Molecular consequence: inframe deletion. On other transcripts: non-coding transcript variant (1).
Genome position (GRCh38, 1-based): chr6:42,969,964-42,969,966, ACT deleted on the plus strand (AGT on the coding strand, the reverse complement: PEX6 is on the minus strand). VCF-style (leftmost placement, unchanged base first): chr6-42969963-CACT-C. GRCh37 (hg19) VCF-style: chr6-42937701-CACT-C.
Other names: c.888_890del, p.Val297del (NM_001316313.2); short protein forms V385del, V297del.
Identifiers: ClinVar variation 861802 (VCV000861802.10), dbSNP rs1770004572, ClinGen allele CA916082831.
Genomic context (GRCh38, chr6:42,969,963, plus strand): 5'-GGTGGTGTCGGCCAAGTAGGCACTGGCTGGTCCATCTGGAGCTTCCCCAACTGTTTTCTT[CACT>C]TTAAAAAACATTTCCCGCCACCTGCAGGAAAAAGGCCCAATGAACCCCAGATCCAGAGTC-3'

ClinVar aggregate classification (germline): Uncertain significance (1 of 4 stars; one submission).

Conditions:
Peroxisome biogenesis disorder. Identifiers: Orphanet 79189, MedGen C1832200, MONDO:0019234. Disease mechanism: loss of function.

Submission:

Labcorp Genetics (formerly Invitae), Labcorp
Classification: Uncertain significance for Peroxisome biogenesis disorder. Last evaluated: 2019-12-05. Review status: criteria provided, single submitter. Criteria: Invitae Variant Classification Sherloc (09022015). Collection method: clinical testing. Allele origin: germline.
Comment: In summary, the available evidence is currently insufficient to determine the role of this variant in disease. Therefore, it has been classified as a Variant of Uncertain Significance. Experimental studies and prediction algorithms are not available or were not evaluated, and the functional significance of this variant is currently unknown. This variant has not been reported in the literature in individuals with PEX6-related conditions. This variant is not present in population databases (ExAC no frequency). This variant, c.1152_1154del, results in the deletion of 1 amino acid(s) of the PEX6 protein (p.Val385del), but otherwise preserves the integrity of the reading frame.